The following is an entry in ClinVar:

ClinVar aggregate classification (germline): Uncertain significance (1 of 4 stars; one submission).

Conditions:
Epileptic encephalopathy. Identifiers: MedGen C0543888, HP:0200134.

Allele frequency attached by ClinVar (database versions not stated): gnomAD exomes below 0.00001; gnomAD 0.00001.
gnomAD v4.1: 8 of 1,612,726 alleles (0.0005%); highest among the groups gnomAD compares: Non-Finnish European, 0.00059%; no homozygotes.

Submission:

Labcorp Genetics (formerly Invitae), Labcorp
Classification: Uncertain significance for Epileptic encephalopathy. Last evaluated: 2022-06-04. Review status: criteria provided, single submitter. Criteria: Invitae Variant Classification Sherloc (09022015). Collection method: clinical testing. Allele origin: germline.
Comment: In summary, the available evidence is currently insufficient to determine the role of this variant in disease. Therefore, it has been classified as a Variant of Uncertain Significance. Algorithms developed to predict the effect of missense changes on protein structure and function are either unavailable or do not agree on the potential impact of this missense change (SIFT: "Deleterious"; PolyPhen-2: "Probably Damaging"; Align-GVGD: "Class C15"). ClinVar contains an entry for this variant (Variation ID: 1471848). This variant has not been reported in the literature in individuals affected with FASN-related conditions. This variant is present in population databases (no rsID available, gnomAD 0.0009%). This sequence change replaces serine, which is neutral and polar, with tyrosine, which is neutral and polar, at codon 1775 of the FASN protein (p.Ser1775Tyr).

NM_004104.5(FASN):c.5324C>A (p.Ser1775Tyr)

Gene: FASN (fatty acid synthase; minus strand). Cytogenetic location: 17q25.3.
Variant type: single nucleotide variant.
Coding change: c.5324C>A on transcript NM_004104.5 (MANE Select); coding-DNA position 5324, C replaced by A.
Protein change: p.Ser1775Tyr; replaces serine 1775 with tyrosine.
Molecular consequence: missense variant.
Genome position (GRCh38, 1-based): chr17:82,083,534, G>T on the plus strand (C>A on the coding strand, the complement: FASN is on the minus strand). VCF-style: chr17-82083534-G-T. GRCh37 (hg19) VCF-style: chr17-80041410-G-T.
Other names: short protein forms S1775Y.
Identifiers: ClinVar variation 1471848 (VCV001471848.8), dbSNP rs1273164437, ClinGen allele CA401539327.